The following is an entry in ClinVar:

NM_016373.4(WWOX):c.109C>G (p.His37Asp)

Gene: WWOX (WW domain containing oxidoreductase; plus strand). Cytogenetic location: 16q23.1.
Variant type: single nucleotide variant.
Coding change: c.109C>G on transcript NM_016373.4 (MANE Select); coding-DNA position 109, C replaced by G.
Protein change: p.His37Asp; replaces histidine 37 with aspartic acid.
Molecular consequence: missense variant. On other transcripts: non-coding transcript variant (1), intron variant (1).
Genome position (GRCh38, 1-based): chr16:78,108,424, C>G. VCF-style: chr16-78108424-C-G. GRCh37 (hg19) VCF-style: chr16-78142321-C-G.
Other names: c.109C>G, p.His37Asp (NM_130791.5); c.-167-1354C>G (NM_001291997.2); short protein forms H37D.
Identifiers: ClinVar variation 851584 (VCV000851584.10), dbSNP rs770653451, ClinGen allele CA284515989.

ClinVar aggregate classification (germline): Uncertain significance (1 of 4 stars; one submission).

Conditions:
Autosomal recessive spinocerebellar ataxia 12. Also called: SPINOCEREBELLAR ATAXIA WITH MENTAL RETARDATION AND EPILEPSY. Identifiers: Orphanet 284282, MedGen C3280452, MONDO:0013687, OMIM 614322.
Developmental and epileptic encephalopathy, 1 (DEE1). Also called: X-linked infantile spasms; West's syndrome; Tonic spasms with clustering, arrest of psychomotor development and hypsarrhythmia on EEG; X-Linked Infantile Spasm Syndrome; OHTAHARA SYNDROME, X-LINKED; INFANTILE SPASM SYNDROME, X-LINKED 1. Identifiers: MedGen C3463992, MONDO:0010632, OMIM 308350. Disease mechanism: loss of function.

Allele frequency attached by ClinVar (database versions not stated): gnomAD exomes below 0.00001.
gnomAD v4.1: 1 of 1,612,204 alleles (0.000062%); highest among the groups gnomAD compares: Non-Finnish European, 0.000085%; no homozygotes.

Submission:

Labcorp Genetics (formerly Invitae), Labcorp
Classification: Uncertain significance for Developmental and epileptic encephalopathy, 1; Autosomal recessive spinocerebellar ataxia 12. Last evaluated: 2022-07-19. Review status: criteria provided, single submitter. Criteria: Invitae Variant Classification Sherloc (09022015). Collection method: clinical testing. Allele origin: germline.
Comment: This sequence change replaces histidine, which is basic and polar, with aspartic acid, which is acidic and polar, at codon 37 of the WWOX protein (p.His37Asp). This variant is not present in population databases (gnomAD no frequency). This variant has not been reported in the literature in individuals affected with WWOX-related conditions. ClinVar contains an entry for this variant (Variation ID: 851584). Algorithms developed to predict the effect of missense changes on protein structure and function are either unavailable or do not agree on the potential impact of this missense change (SIFT: "Not Available"; PolyPhen-2: "Probably Damaging"; Align-GVGD: "Not Available"). In summary, the available evidence is currently insufficient to determine the role of this variant in disease. Therefore, it has been classified as a Variant of Uncertain Significance.